The following is an entry in ClinVar:

NM_006947.4(SRP72):c.945G>T (p.Met315Ile)

Gene: SRP72 (signal recognition particle 72; plus strand). Cytogenetic location: 4q12.
Variant type: single nucleotide variant.
Coding change: c.945G>T on transcript NM_006947.4 (MANE Select); coding-DNA position 945, G replaced by T.
Protein change: p.Met315Ile; replaces methionine 315 with isoleucine.
Molecular consequence: missense variant. On other transcripts: non-coding transcript variant (1).
Genome position (GRCh38, 1-based): chr4:56,483,258, G>T. VCF-style: chr4-56483258-G-T. GRCh37 (hg19) VCF-style: chr4-57349424-G-T.
Other names: c.762G>T, p.Met254Ile (NM_001267722.2); short protein forms M315I, M254I.
Identifiers: ClinVar variation 4589574 (VCV004589574.1).

ClinVar aggregate classification (germline): Uncertain significance (1 of 4 stars; one submission).

Submission:

Ambry Genetics
Classification: Uncertain significance. Last evaluated: 2025-09-20. Review status: criteria provided, single submitter. Criteria: Ambry Variant Classification Scheme 2023. Collection method: clinical testing. Allele origin: germline.
Comment: The p.M315I variant (also known as c.945G>T), located in coding exon 9 of the SRP72 gene, results from a G to T substitution at nucleotide position 945. The methionine at codon 315 is replaced by isoleucine, an amino acid with highly similar properties. This amino acid position is conserved. In addition, this alteration is predicted to be deleterious by in silico analysis. Based on the available evidence, the clinical significance of this variant remains unclear.